The following is an entry in ClinVar:

NM_000384.3(APOB):c.11359C>T (p.Pro3787Ser)

Gene: APOB (apolipoprotein B; minus strand). Cytogenetic location: 2p24.1.
Variant type: single nucleotide variant.
Coding change: c.11359C>T on transcript NM_000384.3 (MANE Select); coding-DNA position 11359, C replaced by T.
Protein change: p.Pro3787Ser; replaces proline 3787 with serine.
Molecular consequence: missense variant.
Genome position (GRCh38, 1-based): chr2:21,005,509, G>A on the plus strand (C>T on the coding strand, the complement: APOB is on the minus strand). VCF-style: chr2-21005509-G-A. GRCh37 (hg19) VCF-style: chr2-21228381-G-A.
Other names: short protein forms P3787S.
Identifiers: ClinVar variation 4070897 (VCV004070897.1).

ClinVar aggregate classification (germline): Uncertain significance (1 of 4 stars; one submission).

Submission:

GeneDx
Classification: Uncertain significance. Last evaluated: 2025-01-20. Review status: criteria provided, single submitter. Criteria: GeneDx Variant Classification Process June 2021. Collection method: clinical testing. Allele origin: germline. Affected: yes.
Comment: Not observed at significant frequency in large population cohorts (gnomAD); In silico analysis supports that this missense variant has a deleterious effect on protein structure/function; Has not been previously published as pathogenic or benign to our knowledge